The following is an entry in ClinVar:

NM_004287.5(GOSR2):c.300G>C (p.Gln100His)

Genes: GOSR2 (golgi SNAP receptor complex member 2; plus strand), LRRC37A2 (leucine rich repeat containing 37 member A2), LOC126862578 (BRD4-independent group 4 enhancer GRCh37_chr17:45008344-45009543; plus strand). Cytogenetic location: 17q21.32.
Variant type: single nucleotide variant.
Coding change: c.300G>C on transcript NM_004287.5 (MANE Select); coding-DNA position 300, G replaced by C.
Protein change: p.Gln100His; replaces glutamine 100 with histidine.
Molecular consequence: missense variant. On other transcripts: non-coding transcript variant (3).
Genome position (GRCh38, 1-based): chr17:46,932,163, G>C. VCF-style: chr17-46932163-G-C. GRCh37 (hg19) VCF-style: chr17-45009529-G-C.
Other names: c.300G>C, p.Gln100His (NM_001012511.3, NM_001321133.2, NM_001330252.2 and 1 more transcripts); c.246G>C, p.Gln82His (NM_001321134.2, NM_001363851.2); c.297G>C, p.Gln99His (NM_001353114.2, NM_001353115.2, NM_001353116.2); short protein forms Q100H, Q82H, Q99H.
Identifiers: ClinVar variation 1009880 (VCV001009880.9), dbSNP rs2087488656, ClinGen allele CA400017060.

ClinVar aggregate classification (germline): Uncertain significance (1 of 4 stars; one submission).

Conditions:
Progressive myoclonic epilepsy. Also called: Familial progressive myoclonic epilepsy; Myoclonic Epilepsies, Progressive; Myoclonus epilepsy; Progressive myoclonus epilepsy. Identifiers: Orphanet 308, Orphanet 98261, MedGen C0751778, MONDO:0020074.

Submission:

Labcorp Genetics (formerly Invitae), Labcorp
Classification: Uncertain significance for Progressive myoclonic epilepsy. Last evaluated: 2020-08-11. Review status: criteria provided, single submitter. Criteria: Invitae Variant Classification Sherloc (09022015). Collection method: clinical testing. Allele origin: germline.
Comment: In summary, the available evidence is currently insufficient to determine the role of this variant in disease. Therefore, it has been classified as a Variant of Uncertain Significance. Algorithms developed to predict the effect of missense changes on protein structure and function are either unavailable or do not agree on the potential impact of this missense change (SIFT: "Deleterious"; PolyPhen-2: "Possibly Damaging"; Align-GVGD: "Class C0"). This variant has not been reported in the literature in individuals with GOSR2-related conditions. This variant is not present in population databases (ExAC no frequency). This sequence change replaces glutamine with histidine at codon 100 of the GOSR2 protein (p.Gln100His). The glutamine residue is moderately conserved and there is a small physicochemical difference between glutamine and histidine.